The following is an entry in ClinVar:

NM_001395513.1(TMPRSS9):c.48G>C (p.Lys16Asn)

Gene: TMPRSS9 (transmembrane serine protease 9; plus strand). Cytogenetic location: 19p13.3.
Variant type: single nucleotide variant.
Coding change: c.48G>C on transcript NM_001395513.1 (MANE Select); coding-DNA position 48, G replaced by C.
Protein change: p.Lys16Asn; replaces lysine 16 with asparagine.
Molecular consequence: missense variant.
Genome position (GRCh38, 1-based): chr19:2,389,833, G>C. VCF-style: chr19-2389833-G-C. GRCh37 (hg19) VCF-style: chr19-2389831-G-C.
Other names: c.48G>C, p.Lys16Asn (NM_182973.3); short protein forms K16N.
Identifiers: ClinVar variation 2648970 (VCV002648970.24), dbSNP rs142722059, ClinGen allele CA9065669.

ClinVar aggregate classification (germline): Likely benign (1 of 4 stars; one submission).

Allele frequency attached by ClinVar (database versions not stated): TOPMed 0.00032; gnomAD exomes 0.00051; gnomAD 0.00057; ESP Exome Variant Server 0.00062; ExAC 0.00087.
gnomAD v4.1: 838 of 1,613,860 alleles (0.052%); highest among the groups gnomAD compares: Non-Finnish European, 0.048%; 2 homozygotes.

Submission:

CeGaT Center for Human Genetics Tuebingen
Classification: Likely benign. Last evaluated: 2023-02-01. Review status: criteria provided, single submitter. Criteria: CeGaT Center For Human Genetics Tuebingen Variant Classification Criteria Version 2. Collection method: clinical testing. Allele origin: germline. Affected: yes. Observed: 1 variant allele.
Comment: TMPRSS9: BS2